The following is an entry in ClinVar:

ClinVar aggregate classification (germline): Pathogenic/Likely pathogenic. Review status: criteria provided, multiple submitters, no conflicts (2 of 4 stars). 3 submissions from 3 submitters: Pathogenic (1); Likely pathogenic (2). Last evaluated 2025-10-17.

Conditions:
Meckel syndrome, type 4 (MKS4). Also called: MECKEL-GRUBER SYNDROME, TYPE 4. Identifiers: Orphanet 564, MedGen C1970161, MONDO:0012626, OMIM 611134.
Bardet-Biedl syndrome 14 (BBS14). Identifiers: Orphanet 110, MedGen C2673874, MONDO:0014442, OMIM 615991.
Senior-Loken syndrome 6 (SLSN6). Identifiers: Orphanet 3156, MedGen C1857779, MONDO:0012433, OMIM 610189.
Joubert syndrome 5 (JBTS5). Identifiers: Orphanet 2318, MedGen C1857780, MONDO:0012432, OMIM 610188.
Leber congenital amaurosis 10 (LCA10). Identifiers: Orphanet 65, MedGen C1857821, MONDO:0012723, OMIM 611755.
Joubert syndrome. Also called: Familial aplasia of the vermis; JOUBERT-BOLTSHAUSER SYNDROME. Identifiers: Orphanet 475, MedGen C5979921, MONDO:0018772.
Nephronophthisis. Also called: Juvenile Nephronophthisis. Identifiers: Orphanet 655, MedGen C0687120, MONDO:0019005, HP:0000090.
Meckel-Gruber syndrome. Also called: Dysencephalia splachnocystica; GRUBER SYNDROME; DYSENCEPHALIA SPLANCHNOCYSTICA. Identifiers: Orphanet 564, MedGen C0265215, MONDO:0018921.
CEP290-related disorder. Also called: CEP290-related condition; CEP290-related disorders. Identifiers: MedGen CN239314.

Submissions (3):

PreventionGenetics, part of Exact Sciences
Classification: Likely pathogenic for CEP290-related condition. Last evaluated: 2025-10-17. Review status: criteria provided, single submitter. Criteria: ACMG Guidelines, 2015. Collection method: clinical testing. Allele origin: germline.
Comment: The CEP290 c.7263dupT variant is predicted to result in premature protein termination (p.Glu2422*). To our knowledge, this variant has not been reported in the literature. This variant has not been reported in a large population database (gnomAD), indicating this variant is rare. Nonsense variants in CEP290 are expected to be pathogenic. This variant is interpreted as likely pathogenic.

Fulgent Genetics
Classification: Likely pathogenic for Joubert syndrome 5; Senior-Loken syndrome 6; Meckel syndrome, type 4; Leber congenital amaurosis 10; Bardet-Biedl syndrome 14. Last evaluated: 2022-02-07. Review status: criteria provided, single submitter. Criteria: ACMG Guidelines, 2015. Collection method: clinical testing. Allele origin: unknown.

Labcorp Genetics (formerly Invitae), Labcorp
Classification: Pathogenic for Joubert syndrome; Meckel-Gruber syndrome; Nephronophthisis. Last evaluated: 2021-11-16. Review status: criteria provided, single submitter. Criteria: Invitae Variant Classification Sherloc (09022015). Collection method: clinical testing. Allele origin: germline.
Comment: This sequence change creates a premature translational stop signal (p.Glu2422*) in the CEP290 gene. While this is not anticipated to result in nonsense mediated decay, it is expected to disrupt the last 58 amino acid(s) of the CEP290 protein. This variant is not present in population databases (gnomAD no frequency). A different variant (c.7264G>T) giving rise to the same protein effect has been determined to be pathogenic (Invitae). This suggests that this variant is also likely to be causative of disease. This variant disrupts a region of the CEP290 protein in which other variant(s) (p.Leu2448Thrfs*8) have been determined to be pathogenic (PMID: 16682973, 16909394, 29588463; Invitae). This suggests that this is a clinically significant region of the protein, and that variants that disrupt it are likely to be disease-causing. For these reasons, this variant has been classified as Pathogenic.

Literature cited by the submitters: PubMed 16682973 (cited by Labcorp Genetics (formerly Invitae), Labcorp); PubMed 16909394 (cited by Labcorp Genetics (formerly Invitae), Labcorp); PubMed 29588463 (cited by Labcorp Genetics (formerly Invitae), Labcorp).

NM_025114.4(CEP290):c.7263dup (p.Glu2422Ter)

Genes: CEP290 (centrosomal protein 290; minus strand), RLIG1 (RNA 5'-phosphate and 3'-OH ligase 1; plus strand). Cytogenetic location: 12q21.32.
Variant type: Duplication.
Coding change: c.7263dup on transcript NM_025114.4 (MANE Select); coding-DNA position 7263, one base duplicated (T; older notation c.7263dupT).
Protein change: p.Glu2422Ter; replaces glutamic acid 2422 with a stop codon.
Molecular consequence: nonsense. On other transcripts: 3 prime UTR variant (1).
Genome position (GRCh38, 1-based): chr12:88,049,361, A duplicated on the plus strand (T on the coding strand, the reverse complement: CEP290 is on the minus strand); the first of 6 consecutive A bases (chr12:88,049,361-88,049,366); duplicating any one gives the same sequence. VCF-style (leftmost placement, unchanged base first): chr12-88049360-C-CA. GRCh37 (hg19) VCF-style: chr12-88443137-C-CA.
Other names: c.7263dupT (NM_025114.3); c.*944dup (NM_001009894.3); short protein forms E2422*.
Identifiers: ClinVar variation 1387697 (VCV001387697.8), dbSNP rs1219184437, ClinGen allele CA693034616.